The following is an entry in ClinVar:

NC_000010.10:g.(?_88671987)_(88683476_?)del

Gene: BMPR1A (bone morphogenetic protein receptor type 1A; plus strand). Cytogenetic location: 10q23.2.
Variant type: Deletion.
Identifiers: ClinVar variation 1067205 (VCV001067205.9).

ClinVar aggregate classification (germline): Likely pathogenic (1 of 4 stars; one submission).

Conditions:
Juvenile polyposis syndrome (JPS). Identifiers: Orphanet 2929, MedGen C0345893, MONDO:0017380, OMIM 174900.

Submission:

Labcorp Genetics (formerly Invitae), Labcorp
Classification: Likely pathogenic for Juvenile polyposis syndrome. Last evaluated: 2022-08-27. Review status: criteria provided, single submitter. Criteria: Invitae Variant Classification Sherloc (09022015). Collection method: clinical testing. Allele origin: germline.
Comment: In summary, the currently available evidence indicates that the variant is pathogenic, but additional data are needed to prove that conclusively. Therefore, this variant has been classified as Likely Pathogenic. This variant disrupts the cytoplasmic and protein kinase domains of the BMPR1A protein, which are required for the regulation of the TGF-Œ≤/BMP pathways (PMID: 8397373, 14526373, 23433720). While functional studies have not been performed to directly test the effect of this variant on BMPR1A protein function, this suggests that disruption of this region of the protein is causative of disease. A similar copy number variant has been observed in individual(s) with clinical features of juvenile polyposis syndrome (PMID: 23399955; Invitae). This variant is a gross deletion of the genomic region encompassing exon(s) 8-13 of the BMPR1A gene, which includes the termination codon. This deletion extends beyond the assayed region for this gene and therefore may encompass additional genes. While this deletion is not anticipated to lead to nonsense mediated decay, it is expected to alter mRNA translation or result in a truncated protein product.

Literature cited by the submitters: PubMed 8397373; PubMed 14526373; PubMed 23433720; PubMed 23399955.